The following is an entry in ClinVar:

ClinVar aggregate classification (germline): Pathogenic (1 of 4 stars; one submission).

Conditions:
Autosomal dominant nonsyndromic hearing loss 1. Also called: DEAFNESS, AUTOSOMAL DOMINANT 1, WITH OR WITHOUT THROMBOCYTOPENIA; KONIGSMARK SYNDROME. Identifiers: Orphanet 90635, MedGen C1852282, MONDO:0007424, OMIM 124900.
Progressive microcephaly-seizures-cortical blindness-developmental delay syndrome. Also called: Seizures, cortical blindness, and microcephaly syndrome. Identifiers: Orphanet 477814, MedGen C5567650, MONDO:0014714, OMIM 616632.

Submission:

Labcorp Genetics (formerly Invitae), Labcorp
Classification: Pathogenic for Progressive microcephaly-seizures-cortical blindness-developmental delay syndrome; Autosomal dominant nonsyndromic hearing loss 1. Last evaluated: 2023-07-25. Review status: criteria provided, single submitter. Criteria: Invitae Variant Classification Sherloc (09022015). Collection method: clinical testing. Allele origin: unknown.
Comment: For these reasons, this variant has been classified as Pathogenic. This variant has not been reported in the literature in individuals affected with DIAPH1-related conditions. This variant is a gross deletion of the genomic region encompassing exon(s) 1 of the DIAPH1 gene, which includes the initiator codon. This deletion extends beyond the assayed region for this gene and therefore may encompass additional genes. It is expected to result in an absent or disrupted protein product. Loss-of-function variants in DIAPH1 are known to be pathogenic (PMID: 24781755, 26463574).

Literature cited by the submitters: PubMed 24781755; PubMed 26463574.

NC_000005.9:g.(?_140998345)_(140998481_?)del

Gene: DIAPH1 (diaphanous related formin 1; minus strand). Cytogenetic location: 5q31.3.
Variant type: Deletion.
Identifiers: ClinVar variation 3246410 (VCV003246410.1).